The following is an entry in ClinVar:

ClinVar aggregate classification (germline): Uncertain significance (1 of 4 stars; one submission).

Submission:

GeneDx
Classification: Uncertain significance. Last evaluated: 2023-05-28. Review status: criteria provided, single submitter. Criteria: GeneDx Variant Classification Process June 2021. Collection method: clinical testing. Allele origin: germline. Affected: yes.
Comment: Not observed at significant frequency in large population cohorts (gnomAD); Has not been previously published as pathogenic or benign to our knowledge; In silico analysis supports that this missense variant does not alter protein structure/function

NM_182931.3(KMT2E):c.5464C>T (p.His1822Tyr)

Gene: KMT2E (lysine methyltransferase 2E (inactive); plus strand). Cytogenetic location: 7q22.3.
Variant type: single nucleotide variant.
Coding change: c.5464C>T on transcript NM_182931.3 (MANE Select); coding-DNA position 5464, C replaced by T.
Protein change: p.His1822Tyr; replaces histidine 1822 with tyrosine.
Molecular consequence: missense variant.
Genome position (GRCh38, 1-based): chr7:105,113,220, C>T. VCF-style: chr7-105113220-C-T. GRCh37 (hg19) VCF-style: chr7-104753667-C-T.
Other names: c.5338C>T, p.His1780Tyr (NM_001410908.1); c.5464C>T, p.His1822Tyr (NM_018682.4); short protein forms H1780Y, H1822Y.
Identifiers: ClinVar variation 3359299 (VCV003359299.1).